The following is an entry in ClinVar:

ClinVar aggregate classification (germline): Uncertain significance (1 of 4 stars; one submission).

Submission:

GeneDx
Classification: Uncertain significance. Last evaluated: 2021-04-26. Review status: criteria provided, single submitter. Criteria: GeneDx Variant Classification Process June 2021. Collection method: clinical testing. Allele origin: germline. Affected: yes.
Comment: Not observed in large population cohorts (Lek et al., 2016); In silico analysis supports a deleterious effect on splicing; Has not been previously published as pathogenic or benign to our knowledge

NM_000352.6(ABCC8):c.4546-6T>A

Gene: ABCC8 (ATP binding cassette subfamily C member 8; minus strand). Cytogenetic location: 11p15.1.
Variant type: single nucleotide variant.
Coding change: c.4546-6T>A on transcript NM_000352.6 (MANE Select); 6 bases into the intron before coding-DNA position 4546, T replaced by A.
Molecular consequence: intron variant.
Genome position (GRCh38, 1-based): chr11:17,393,765, A>T on the plus strand (T>A on the coding strand, the complement: ABCC8 is on the minus strand). VCF-style: chr11-17393765-A-T. GRCh37 (hg19) VCF-style: chr11-17415312-A-T.
Other names: c.4543-6T>A (NM_001351297.2); c.4546-6T>A (NM_001351296.2); c.4612-6T>A (NM_001351295.2); c.4549-6T>A (NM_001287174.3).
Identifiers: ClinVar variation 1314491 (VCV001314491.2), dbSNP rs2133393272, ClinGen allele CA2573053458.